The following is an entry in ClinVar:

ClinVar aggregate classification (germline): Uncertain significance (1 of 4 stars; one submission).

Allele frequency attached by ClinVar (database versions not stated): gnomAD 0.00001; TOPMed 0.00001; ExAC 0.00003.
gnomAD v4.1: 28 of 1,613,730 alleles (0.0017%); highest among the groups gnomAD compares: Non-Finnish European, 0.0021%; no homozygotes.

Submission:

Labcorp Genetics (formerly Invitae), Labcorp
Classification: Uncertain significance. Last evaluated: 2022-09-05. Review status: criteria provided, single submitter. Criteria: Invitae Variant Classification Sherloc (09022015). Collection method: clinical testing. Allele origin: germline.
Comment: This sequence change replaces proline, which is neutral and non-polar, with leucine, which is neutral and non-polar, at codon 123 of the ROBO1 protein (p.Pro123Leu). This variant is present in population databases (rs757469885, gnomAD 0.004%). This variant has not been reported in the literature in individuals affected with ROBO1-related conditions. Advanced modeling of protein sequence and biophysical properties (such as structural, functional, and spatial information, amino acid conservation, physicochemical variation, residue mobility, and thermodynamic stability) performed at Invitae indicates that this missense variant is expected to disrupt ROBO1 protein function. Algorithms developed to predict the effect of sequence changes on RNA splicing suggest that this variant may create or strengthen a splice site. In summary, the available evidence is currently insufficient to determine the role of this variant in disease. Therefore, it has been classified as a Variant of Uncertain Significance.

NM_002941.4(ROBO1):c.368C>T (p.Pro123Leu)

Gene: ROBO1 (roundabout guidance receptor 1; minus strand). Cytogenetic location: 3p12.3.
Variant type: single nucleotide variant.
Coding change: c.368C>T on transcript NM_002941.4 (MANE Select); coding-DNA position 368, C replaced by T.
Protein change: p.Pro123Leu; replaces proline 123 with leucine.
Molecular consequence: missense variant.
Genome position (GRCh38, 1-based): chr3:78,938,732, G>A on the plus strand (C>T on the coding strand, the complement: ROBO1 is on the minus strand). VCF-style: chr3-78938732-G-A. GRCh37 (hg19) VCF-style: chr3-78987882-G-A.
Other names: c.251C>T, p.Pro84Leu (NM_001145844.1, NM_001145845.2, NM_133631.4); short protein forms P123L, P84L.
Identifiers: ClinVar variation 2187659 (VCV002187659.1), dbSNP rs757469885, ClinGen allele CA2499277.